The following is an entry in ClinVar:

ClinVar aggregate classification (germline): Likely pathogenic (1 of 4 stars; one submission).

Submissions (2):

GeneDx
Classification: Likely pathogenic. Last evaluated: 2025-09-30. Review status: criteria provided, single submitter. Criteria: GeneDx Variant Classification Process June 2021. Collection method: clinical testing. Allele origin: germline. Affected: yes.
Comment: Not observed at significant frequency in large population cohorts (gnomAD); Has not been previously published as pathogenic or benign to our knowledge; Alters the last nucleotide of the exon and is predicted to destroy the splice donor site and result in aberrant splicing, although in the absence of functional evidence the actual effect of this sequence change is unknown

Dr. Peter K. Rogan Lab, Western University
No classification provided (evidence only). Condition: Melanoma. Review status: no classification provided. Collection method: in vitro. Allele origin: not applicable. Functional consequence: retained intron. Not counted in ClinVar's aggregate classification.

NM_001349338.3(FOXP1):c.1722G>C (p.Gln574His)

Gene: FOXP1 (forkhead box P1; minus strand). Cytogenetic location: 3p13.
Variant type: single nucleotide variant.
Coding change: c.1722G>C on transcript NM_001349338.3 (MANE Select); coding-DNA position 1722, G replaced by C.
Protein change: p.Gln574His; replaces glutamine 574 with histidine.
Molecular consequence: missense variant. On other transcripts: non-coding transcript variant (2).
Genome position (GRCh38, 1-based): chr3:70,970,736, C>G on the plus strand (G>C on the coding strand, the complement: FOXP1 is on the minus strand). VCF-style: chr3-70970736-C-G. GRCh37 (hg19) VCF-style: chr3-71019887-C-G.
Other names: NC_000003.11:g.71019887C>G; c.1719G>C, p.Gln573His (NM_001244808.3, NM_001349341.3); c.1770G>C, p.Gln590His (NM_001244810.2); c.1494G>C, p.Gln498His (NM_001244812.3); c.1422G>C, p.Gln474His (NM_001244813.3, NM_001244815.2, NM_001349342.3); c.1722G>C, p.Gln574His (NM_001244814.3, NM_001244816.2, NM_001349340.3 and 1 more transcripts); c.1419G>C, p.Gln473His (NM_001349337.2, NM_001349343.3, NM_001349344.3 and 1 more transcripts); short protein forms Q473H, Q474H, Q498H, Q573H, Q574H, Q590H.
Identifiers: ClinVar variation 1321547 (VCV001321547.4), dbSNP rs2107155481, ClinGen allele CA353490268.